The following is an entry in ClinVar:

ClinVar aggregate classification (germline): Likely benign (1 of 4 stars; one submission).

Conditions:
Dyskeratosis congenita. Identifiers: Orphanet 1775, MedGen C0265965, MONDO:0015780.

Allele frequency attached by ClinVar (database versions not stated): gnomAD 0.00022; TOPMed 0.00040; 1000 Genomes Project 0.00060; 1000 Genomes Project 30x 0.00078.
gnomAD v4.1: 31 of 152,306 alleles (0.02%); highest among the groups gnomAD compares: East Asian, 0.42%; no homozygotes.

Submission:

Illumina Laboratory Services, Illumina
Classification: Likely benign for Dyskeratosis congenita. Last evaluated: 2018-01-12. Review status: criteria provided, single submitter. Criteria: ICSL Variant Classification Criteria 13 December 2019. Collection method: clinical testing. Allele origin: germline.
Comment: This variant was observed in the ICSL laboratory as part of a predisposition screen in an ostensibly healthy population. It had not been previously curated by ICSL or reported in the Human Gene Mutation Database (HGMD: prior to June 1st, 2018), and was therefore a candidate for classification through an automated scoring system. Utilizing variant allele frequency, disease prevalence and penetrance estimates, and inheritance mode, an automated score was calculated to assess if this variant is too frequent to cause the disease. Based on the score and internal cut-off values, a variant classified as likely benign is not then subjected to further curation. The score for this variant resulted in a classification of likely benign for this disease.

NM_025099.6(CTC1):c.*1486C>T

Gene: CTC1 (CST telomere replication complex component 1; minus strand). Cytogenetic location: 17p13.1.
Variant type: single nucleotide variant.
Coding change: c.*1486C>T on transcript NM_025099.6 (MANE Select); 1486 bases downstream of the stop codon, C replaced by T.
Molecular consequence: 3 prime UTR variant. On other transcripts: non-coding transcript variant (1).
Genome position (GRCh38, 1-based): chr17:8,226,694, G>A on the plus strand (C>T on the coding strand, the complement: CTC1 is on the minus strand). VCF-style: chr17-8226694-G-A. GRCh37 (hg19) VCF-style: chr17-8130012-G-A.
Identifiers: ClinVar variation 326023 (VCV000326023.5), dbSNP rs574706247, ClinGen allele CA10647164.